The following is an entry in ClinVar:

NM_000379.4(XDH):c.1686+8C>T

Gene: XDH (xanthine dehydrogenase; minus strand). Cytogenetic location: 2p23.1.
Variant type: single nucleotide variant.
Coding change: c.1686+8C>T on transcript NM_000379.4 (MANE Select); 8 bases into the intron after coding-DNA position 1686, C replaced by T.
Molecular consequence: intron variant.
Genome position (GRCh38, 1-based): chr2:31,373,865, G>A on the plus strand (C>T on the coding strand, the complement: XDH is on the minus strand). VCF-style: chr2-31373865-G-A. GRCh37 (hg19) VCF-style: chr2-31596731-G-A.
Other names: p.?.
Identifiers: ClinVar variation 335785 (VCV000335785.19), dbSNP rs17395224, ClinGen allele CA1599133.

ClinVar aggregate classification (germline): Benign/Likely benign. Review status: criteria provided, multiple submitters, no conflicts (2 of 4 stars). 6 submissions from 6 submitters: Benign (4); Likely benign (2). Last evaluated 2026-01-28.

Conditions:
Xanthinuria type II. Also called: Xanthine dehydrogenase and aldehyde oxidase combined deficiency of; XDH and AOX dual deficiency. Identifiers: Orphanet 3467, Orphanet 93602, MedGen C1863688, MONDO:0011346, OMIM 603592.
Hereditary xanthinuria type 1 (XAN1). Identifiers: Orphanet 3467, Orphanet 93601, MedGen C0268118, MONDO:0010209, OMIM 278300.

Allele frequency attached by ClinVar (database versions not stated): 1000 Genomes Project 30x 0.01312; 1000 Genomes Project 0.01318; TOPMed 0.02108; gnomAD 0.02183 and 0.02225; gnomAD exomes 0.02211 and 0.02924; ExAC 0.02247; ESP Exome Variant Server 0.02468.

Submissions (6):

Labcorp Genetics (formerly Invitae), Labcorp
Classification: Benign for Xanthinuria type II. Last evaluated: 2026-01-28. Review status: criteria provided, single submitter. Criteria: Invitae Variant Classification Sherloc (09022015). Collection method: clinical testing. Allele origin: germline.

Mayo Clinic Laboratories, Mayo Clinic
Classification: Benign. Last evaluated: 2023-01-09. Review status: criteria provided, single submitter. Criteria: ACMG Guidelines, 2015. Collection method: clinical testing. Allele origin: germline. Observed: 7 variant alleles.
Comment: BS1, BS2

Genome-Nilou Lab
Classification: Benign for Hereditary xanthinuria type 1. Last evaluated: 2021-12-05. Review status: criteria provided, single submitter. Criteria: ACMG Guidelines, 2015. Collection method: clinical testing. Allele origin: germline. Affected: no.

GeneDx
Classification: Likely benign. Last evaluated: 2020-12-01. Review status: criteria provided, single submitter. Criteria: GeneDx Variant Classification Process June 2021. Collection method: clinical testing. Allele origin: germline. Affected: yes.

Illumina Laboratory Services, Illumina
Classification: Benign for Hereditary xanthinuria type 1. Last evaluated: 2018-01-13. Review status: criteria provided, single submitter. Criteria: ICSL Variant Classification Criteria 13 December 2019. Collection method: clinical testing. Allele origin: germline.
Comment: This variant was observed in the ICSL laboratory as part of a predisposition screen in an ostensibly healthy population. It had not been previously curated by ICSL or reported in the Human Gene Mutation Database (HGMD: prior to June 1st, 2018), and was therefore a candidate for classification through an automated scoring system. Utilizing variant allele frequency, disease prevalence and penetrance estimates, and inheritance mode, an automated score was calculated to assess if this variant is too frequent to cause the disease. Based on the score and internal cut-off values, a variant classified as benign is not then subjected to further curation. The score for this variant resulted in a classification of benign for this disease.

Breakthrough Genomics
Classification: Likely benign. Review status: criteria provided, single submitter. Criteria: ACMG Guidelines, 2015. Collection method: not provided. Allele origin: germline. Inheritance: Autosomal recessive inheritance. Affected: yes.